The following is an entry in ClinVar:

NM_012318.3(LETM1):c.2117A>G (p.Gln706Arg)

Gene: LETM1 (leucine zipper and EF-hand containing transmembrane protein 1; minus strand). Cytogenetic location: 4p16.3.
Variant type: single nucleotide variant.
Coding change: c.2117A>G on transcript NM_012318.3 (MANE Select); coding-DNA position 2117, A replaced by G.
Protein change: p.Gln706Arg; replaces glutamine 706 with arginine.
Molecular consequence: missense variant.
Genome position (GRCh38, 1-based): chr4:1,814,527, T>C on the plus strand (A>G on the coding strand, the complement: LETM1 is on the minus strand). VCF-style: chr4-1814527-T-C. GRCh37 (hg19) VCF-style: chr4-1816254-T-C.
Other names: short protein forms Q706R.
Identifiers: ClinVar variation 2015523 (VCV002015523.4), dbSNP rs2546853897, ClinGen allele CA355992549.

ClinVar aggregate classification (germline): Uncertain significance (1 of 4 stars; one submission).

Submission:

Labcorp Genetics (formerly Invitae), Labcorp
Classification: Uncertain significance. Last evaluated: 2022-09-27. Review status: criteria provided, single submitter. Criteria: Invitae Variant Classification Sherloc (09022015). Collection method: clinical testing. Allele origin: germline.
Comment: This sequence change replaces glutamine, which is neutral and polar, with arginine, which is basic and polar, at codon 706 of the LETM1 protein (p.Gln706Arg). This variant is not present in population databases (gnomAD no frequency). This variant has not been reported in the literature in individuals affected with LETM1-related conditions. Algorithms developed to predict the effect of missense changes on protein structure and function are either unavailable or do not agree on the potential impact of this missense change (SIFT: "Tolerated"; PolyPhen-2: "Possibly Damaging"; Align-GVGD: "Class C0"). In summary, the available evidence is currently insufficient to determine the role of this variant in disease. Therefore, it has been classified as a Variant of Uncertain Significance.